The following is an entry in ClinVar:

NM_000525.4(KCNJ11):c.874G>A (p.Glu292Lys)

Gene: KCNJ11 (potassium inwardly rectifying channel subfamily J member 11; minus strand). Cytogenetic location: 11p15.1.
Variant type: single nucleotide variant.
Coding change: c.874G>A on transcript NM_000525.4 (MANE Select); coding-DNA position 874, G replaced by A.
Protein change: p.Glu292Lys; replaces glutamic acid 292 with lysine.
Molecular consequence: missense variant.
Genome position (GRCh38, 1-based): chr11:17,387,218, C>T on the plus strand (G>A on the coding strand, the complement: KCNJ11 is on the minus strand). VCF-style: chr11-17387218-C-T. GRCh37 (hg19) VCF-style: chr11-17408765-C-T.
Other names: c.613G>A, p.Glu205Lys (NM_001166290.2, NM_001377296.1, NM_001377297.1); short protein forms E205K, E292K.
Identifiers: ClinVar variation 804977 (VCV000804977.7), dbSNP rs1174593640, ClinGen allele CA379770173.

ClinVar aggregate classification (germline): Conflicting classifications of pathogenicity. Review status: criteria provided, conflicting classifications (1 of 4 stars). 5 submissions from 5 submitters: Likely pathogenic (2); Uncertain significance (2). 1 of the submissions does not count toward it. Last evaluated 2026-04-28.

Conditions:
Maturity-onset diabetes of the young (MODY). Also called: Maturity onset diabetes mellitus in young. Identifiers: Orphanet 552, MedGen C0342276, MONDO:0018911, HP:0004904.
Familial hyperinsulinism. Also called: Congenital hyperinsulinism. Identifiers: Orphanet 276525, MedGen C3888018, MONDO:0017182. Disease mechanism: loss of function.
Permanent neonatal diabetes mellitus (PNDM). Identifiers: Orphanet 99885, MedGen C1833104, MONDO:0100164, MONDO:0011643. Disease mechanism: gain of function.

Allele frequency attached by ClinVar (database versions not stated): gnomAD exomes below 0.00001; TOPMed below 0.00001; gnomAD 0.00001.
gnomAD v4.1: 2 of 1,614,104 alleles (0.00012%); highest among the groups gnomAD compares: Non-Finnish European, 0.00017%; no homozygotes.

Submissions (5):

Women's Health and Genetics/Laboratory Corporation of America, LabCorp
Classification: Likely pathogenic for Familial hyperinsulinism. Last evaluated: 2026-04-28. Review status: criteria provided, single submitter. Criteria: LabCorp Variant Classification Summary - May 2015. Collection method: clinical testing. Allele origin: germline.
Comment: Variant summary: KCNJ11 c.874G>A (p.Glu292Lys) results in a conservative amino acid change in the encoded protein sequence. Algorithms developed to predict the effect of missense changes on protein structure and function are either unavailable or do not agree on the potential impact of this missense change. The variant was absent in 251424 control chromosomes. The available data on variant occurrences in the general population are insufficient to allow any conclusion about variant significance. c.874G>A has been observed in the heterozygous state in at least 2 individuals affected with autosomal dominant diffuse congenital hyperinsulinism (Arya_2014) and in the heterozygous state in at least 1 individual with presumed pseudo-dominant focal congenital hyperinsulinism (Kapoor_2013). The variant was determined to be paternally-inherited in all of these cases (example: Kapoor_2013, Arya_2014). These data indicate that the variant may be associated with disease. To our knowledge, no experimental evidence demonstrating an impact on protein function has been reported. Internally validated machine learning-based Evidence Modeling of protein sequence and biophysical properties (such as structural, functional, and spatial information, amino acid conservation, physicochemical variation, residue mobility, and thermodynamic stability) indicates that this missense variant is expected to disrupt protein function with a positive predictive value of at least 95%. The following publications have been ascertained in the context of this evaluation (PMID: 25201519, 23345197). ClinVar contains an entry for this variant (Variation ID: 804977). While this variant has been reported in the literature, the clinical significance of the variant for pseudo-dominant focal congenital hyperinsulinism could not be established. Based on the evidence outlined above, the variant was classified as likely pathogenic for autosomal dominant diffuse congenital hyperinsulinism.

Labcorp Genetics (formerly Invitae), Labcorp
Classification: Likely pathogenic. Last evaluated: 2022-11-29. Review status: criteria provided, single submitter. Criteria: Invitae Variant Classification Sherloc (09022015). Collection method: clinical testing. Allele origin: germline.
Comment: This sequence change replaces glutamic acid, which is acidic and polar, with lysine, which is basic and polar, at codon 292 of the KCNJ11 protein (p.Glu292Lys). This variant is not present in population databases (gnomAD no frequency). This missense change has been observed in individuals with autosomal dominant familial hyperinsulinism (PMID: 25201519). This variant has been reported in individual(s) with paternally inherited focal hyperinsulinism (PMID: 23345197); however, the role of the variant in this condition is currently unclear. In summary, the currently available evidence indicates that the variant is pathogenic, but additional data are needed to prove that conclusively. Therefore, this variant has been classified as Likely Pathogenic. ClinVar contains an entry for this variant (Variation ID: 804977). Advanced modeling of protein sequence and biophysical properties (such as structural, functional, and spatial information, amino acid conservation, physicochemical variation, residue mobility, and thermodynamic stability) performed at Invitae indicates that this missense variant is expected to disrupt KCNJ11 protein function.

Athena Diagnostics
Classification: Uncertain significance. Last evaluated: 2019-04-24. Review status: criteria provided, single submitter. Criteria: Athena Diagnostics Criteria. Collection method: clinical testing. Allele origin: germline.

Clinical Genomics, Uppaluri K&H Personalized Medicine Clinic
Classification: Uncertain significance for Maturity-onset diabetes of the young. Review status: criteria provided, single submitter. Criteria: K & H Uppaluri Personalized Medicine Clinic Variant Classification & Assertion Criteria_Updated V.1. Collection method: research. Allele origin: somatic. Inheritance: Autosomal dominant inheritance.
Comment: Mutations in KCNJ11 gene can cause decreased production and secretion of insulin. This can lead to MODY which may be responsive to oral sulfonylureas. It is also associated with Neonatal Diabetes. However, no sufficient evidence is found to ascertain the role of this particular variant (rs1174593640) in MODY yet.

Natera, Inc.
Classification: Uncertain significance for Permanent neonatal diabetes mellitus. Last evaluated: 2020-12-24. Review status: no assertion criteria provided. Collection method: clinical testing. Allele origin: germline. Not counted in ClinVar's aggregate classification.

Literature cited by the submitters: PubMed 23345197 (cited by 3 submitters); PubMed 25201519 (cited by 3 submitters); PubMed 26448950 (cited by Clinical Genomics, Uppaluri K&H Personalized Medicine Clinic); PubMed 15580558 (cited by Clinical Genomics, Uppaluri K&H Personalized Medicine Clinic); PubMed 15718250 (cited by Clinical Genomics, Uppaluri K&H Personalized Medicine Clinic); PubMed 32935446 (cited by Clinical Genomics, Uppaluri K&H Personalized Medicine Clinic); PubMed 22701567 (cited by Clinical Genomics, Uppaluri K&H Personalized Medicine Clinic).